The following is an entry in ClinVar:

NM_012469.4(PRPF6):c.417A>G (p.Gln139=)

Gene: PRPF6 (pre-mRNA processing factor 6; plus strand). Cytogenetic location: 20q13.33.
Variant type: single nucleotide variant.
Coding change: c.417A>G on transcript NM_012469.4 (MANE Select); coding-DNA position 417, A replaced by G.
Protein change: p.Gln139=; no amino-acid change (glutamine 139 retained).
Molecular consequence: synonymous variant.
Genome position (GRCh38, 1-based): chr20:63,993,464, A>G. VCF-style: chr20-63993464-A-G. GRCh37 (hg19) VCF-style: chr20-62624817-A-G.
Other names: c.417A>G (NM_012469.3).
Identifiers: ClinVar variation 1159262 (VCV001159262.13), dbSNP rs151262895, ClinGen allele CA9971890.

ClinVar aggregate classification (germline): Likely benign. Review status: criteria provided, multiple submitters, no conflicts (2 of 4 stars). 4 submissions from 4 submitters: Likely benign (3). 1 of the submissions does not count toward it. Last evaluated 2026-10-01.

Conditions:
PRPF6-related disorder. Also called: PRPF6-related condition.

Allele frequency attached by ClinVar (database versions not stated): gnomAD exomes 0.00006 and 0.00017; ExAC 0.00007; gnomAD 0.00011 and 0.00013; TOPMed 0.00014; ESP Exome Variant Server 0.00015.
gnomAD v4.1: 270 of 1,612,788 alleles (0.017%); highest among the groups gnomAD compares: Non-Finnish European, 0.022%; 1 homozygote.

Submissions (4):

CeGaT Center for Human Genetics Tuebingen
Classification: Likely benign. Last evaluated: 2026-10-01. Review status: criteria provided, single submitter. Criteria: CeGaT Center For Human Genetics Tuebingen Variant Classification Criteria Version 2. Collection method: clinical testing. Allele origin: germline. Affected: yes. Observed: 1 variant allele.
Comment: PRPF6: BP4, BP7

Labcorp Genetics (formerly Invitae), Labcorp
Classification: Likely benign. Last evaluated: 2025-11-08. Review status: criteria provided, single submitter. Criteria: Invitae Variant Classification Sherloc (09022015). Collection method: clinical testing. Allele origin: germline.

Blueprint Genetics
Classification: Likely benign. Last evaluated: 2024-06-21. Review status: criteria provided, single submitter. Criteria: ACMG Guidelines, 2015. Collection method: clinical testing. Allele origin: germline.

PreventionGenetics, part of Exact Sciences
Classification: Likely benign for PRPF6-related condition. Last evaluated: 2019-09-23. Review status: no assertion criteria provided. Collection method: clinical testing. Allele origin: germline. Not counted in ClinVar's aggregate classification.
Comment: This variant is classified as likely benign based on ACMG/AMP sequence variant interpretation guidelines (Richards et al. 2015 PMID: 25741868, with internal and published modifications).